The following is an entry in ClinVar:

ClinVar aggregate classification (germline): Uncertain significance. Review status: criteria provided, single submitter (1 of 4 stars). 2 submissions from 2 submitters: Uncertain significance (1). 1 of the submissions does not count toward it. Last evaluated 2025-04-10.

Conditions:
PLXNA1-related disorder. Also called: PLXNA1-related condition.

Allele frequency attached by ClinVar (database versions not stated): TOPMed 0.00007; ESP Exome Variant Server 0.00008.
gnomAD v4.1: 55 of 1,612,614 alleles (0.0034%); highest among the groups gnomAD compares: African/African-American, 0.008%; no homozygotes.

Submissions (2):

Ambry Genetics
Classification: Uncertain significance. Last evaluated: 2025-04-10. Review status: criteria provided, single submitter. Criteria: Ambry Variant Classification Scheme 2023. Collection method: clinical testing. Allele origin: germline.

PreventionGenetics, part of Exact Sciences
Classification: Uncertain significance for PLXNA1-related condition. Last evaluated: 2024-07-15. Review status: no assertion criteria provided. Collection method: clinical testing. Allele origin: germline. Not counted in ClinVar's aggregate classification.
Comment: The PLXNA1 c.1207G>A variant is predicted to result in the amino acid substitution p.Asp403Asn. To our knowledge, this variant has not been reported in the literature. This variant is reported in 0.012% of alleles in individuals of African descent in gnomAD. At this time, the clinical significance of this variant is uncertain due to the absence of conclusive functional and genetic evidence.

NM_032242.4(PLXNA1):c.1207G>A (p.Asp403Asn)

Gene: PLXNA1 (plexin A1; plus strand). Cytogenetic location: 3q21.3.
Variant type: single nucleotide variant.
Coding change: c.1207G>A on transcript NM_032242.4 (MANE Select); coding-DNA position 1207, G replaced by A.
Protein change: p.Asp403Asn; replaces aspartic acid 403 with asparagine.
Molecular consequence: missense variant.
Genome position (GRCh38, 1-based): chr3:126,991,396, G>A. VCF-style: chr3-126991396-G-A. GRCh37 (hg19) VCF-style: chr3-126710239-G-A.
Other names: short protein forms D403N.
Identifiers: ClinVar variation 2466048 (VCV002466048.4), dbSNP rs372990520, ClinGen allele CA2593157.